The following is an entry in ClinVar:

ClinVar aggregate classification (germline): Uncertain significance. Review status: criteria provided, multiple submitters, no conflicts (2 of 4 stars). 2 submissions from 2 submitters: Uncertain significance (2). Last evaluated 2025-09-29.

Conditions:
Hereditary cancer-predisposing syndrome. Also called: Neoplastic Syndromes, Hereditary; Tumor predisposition; Hereditary Cancer Syndrome; Hereditary neoplastic syndrome. Identifiers: Orphanet 140162, MedGen C0027672, MeSH D009386, MONDO:0015356.
Tuberous sclerosis 2 (TSC2). Identifiers: Orphanet 805, MedGen C1860707, MONDO:0013199, OMIM 613254.

Submissions (2):

Labcorp Genetics (formerly Invitae), Labcorp
Classification: Uncertain significance for Tuberous sclerosis 2. Last evaluated: 2025-09-29. Review status: criteria provided, single submitter. Criteria: Invitae Variant Classification Sherloc (09022015). Collection method: clinical testing. Allele origin: germline.
Comment: This sequence change falls in intron 38 of the TSC2 gene. It does not directly change the encoded amino acid sequence of the TSC2 protein. This variant is not present in population databases (gnomAD no frequency). This variant has not been reported in the literature in individuals affected with TSC2-related conditions. ClinVar contains an entry for this variant (Variation ID: 1744014). Experimental studies and prediction algorithms are not available or were not evaluated, and the effect of this variant on mRNA splicing is currently unknown. In summary, the available evidence is currently insufficient to determine the role of this variant in disease. Therefore, it has been classified as a Variant of Uncertain Significance.

Ambry Genetics
Classification: Uncertain significance for Hereditary cancer-predisposing syndrome. Last evaluated: 2024-04-19. Review status: criteria provided, single submitter. Criteria: Ambry Variant Classification Scheme 2023. Collection method: clinical testing. Allele origin: germline.
Comment: The c.4908_4989+124dup206 gross duplication spans coding exon 37 and into intron 37 in the TSC2 gene. This duplication has been confirmed in tandem in at least one proband. It is unknown whether the duplicated material impacts protein sequence or otherwise affects transcriptional/translational regulatory elements. Based on the available evidence, the clinical significance of this alteration remains unclear.

NM_000548.5(TSC2):c.4910_4989+126dup

Gene: TSC2 (TSC complex subunit 2; plus strand). Cytogenetic location: 16p13.3.
Variant type: Duplication.
Coding change: c.4910_4989+126dup on transcript NM_000548.5 (MANE Select); coding-DNA position 4910 through 126 bases into the intron after coding-DNA position 4989, 206 bases duplicated.
Molecular consequence: splice donor variant.
Genome position (GRCh38, 1-based): chr16:2,086,792-2,086,997, 206 bases duplicated. GRCh37 (hg19): chr16:2,136,793-2,136,998.
Other names: c.4841_4920+126dup (NM_001114382.3); c.4781_4860+126dup (NM_021055.3, NM_001370405.1); c.4712_4791+126dup (NM_001363528.2); c.4778_4857+126dup (NM_001370404.1); c.4709_4788+126dup (NM_001077183.3); c.4601_4680+126dup (NM_001318827.2); c.4178_4257+126dup (NM_001318831.2); c.4565_4644+126dup (NM_001318829.2); and 1 more.
Identifiers: ClinVar variation 1744014 (VCV001744014.4), dbSNP rs2544403014, ClinGen allele CA2580091086.